The following is an entry in ClinVar:

ClinVar aggregate classification (germline): Likely benign (1 of 4 stars; one submission).

Allele frequency attached by ClinVar (database versions not stated): gnomAD exomes below 0.00001; ESP Exome Variant Server 0.00008.
gnomAD v4.1: 3 of 1,613,758 alleles (0.00019%); highest among the groups gnomAD compares: Non-Finnish European, 0.00025%; no homozygotes.

Submission:

CeGaT Center for Human Genetics Tuebingen
Classification: Likely benign. Last evaluated: 2022-05-01. Review status: criteria provided, single submitter. Criteria: CeGaT Center For Human Genetics Tuebingen Variant Classification Criteria Version 2. Collection method: clinical testing. Allele origin: germline. Affected: yes. Observed: 1 variant allele.
Comment: SCG5: BP4, BP7

NM_001144757.3(SCG5):c.411T>C (p.Thr137=)

Genes: ARHGAP11A-SCG5 (ARHGAP11A-SCG5 readthrough; plus strand), SCG5 (secretogranin V; plus strand). Cytogenetic location: 15q13.3.
Variant type: single nucleotide variant.
Coding change: c.411T>C on transcript NM_001144757.3 (MANE Select); coding-DNA position 411, T replaced by C.
Protein change: p.Thr137=; no amino-acid change (threonine 137 retained).
Molecular consequence: synonymous variant.
Genome position (GRCh38, 1-based): chr15:32,684,591, T>C. VCF-style: chr15-32684591-T-C. GRCh37 (hg19) VCF-style: chr15-32976792-T-C.
Other names: c.1650T>C, p.Thr550= (NM_001368319.1); c.411T>C, p.Thr137= (NM_001394278.1); c.408T>C, p.Thr136= (NM_001394279.1, NM_003020.5).
Identifiers: ClinVar variation 2645128 (VCV002645128.24), dbSNP rs369866244, ClinGen allele CA268468534.